The following is an entry in ClinVar:

ClinVar aggregate classification (germline): Uncertain significance (1 of 4 stars; one submission).

Conditions:
Epidermolysis bullosa simplex 3, localized or generalized intermediate, with BP230 deficiency (EBS3). Also called: Epidermolysis bullosa simplex, autosomal recessive 2; Epidermolysis bullosa simplex due to BP230 deficiency. Identifiers: Orphanet 412181, MedGen C3809470, MONDO:0014180, OMIM 615425.
Hereditary sensory and autonomic neuropathy type 6. Also called: Neuropathy, hereditary sensory and autonomic, type VI; HSAN VI. Identifiers: Orphanet 314381, MedGen C3539003, MONDO:0013839, OMIM 614653.

Submission:

Labcorp Genetics (formerly Invitae), Labcorp
Classification: Uncertain significance for Epidermolysis bullosa simplex 3, localized or generalized intermediate, with BP230 deficiency; Hereditary sensory and autonomic neuropathy type 6. Last evaluated: 2021-11-09. Review status: criteria provided, single submitter. Criteria: Invitae Variant Classification Sherloc (09022015). Collection method: clinical testing. Allele origin: germline.
Comment: This variant is not present in population databases (gnomAD no frequency). The DST gene has multiple clinically relevant transcripts. This variant occurs in alternate transcript NM_015548.4, and corresponds to NM_001723.5:c.*62078T>C in the primary transcript. This sequence change replaces isoleucine, which is neutral and non-polar, with threonine, which is neutral and polar, at codon 2495 of the DST protein (p.Ile2495Thr). This variant has not been reported in the literature in individuals affected with DST-related conditions. Experimental studies and prediction algorithms are not available or were not evaluated, and the functional significance of this variant is currently unknown. In summary, the available evidence is currently insufficient to determine the role of this variant in disease. Therefore, it has been classified as a Variant of Uncertain Significance.

NM_001374736.1(DST):c.15353T>C (p.Ile5118Thr)

Gene: DST (dystonin; minus strand). Cytogenetic location: 6p12.1.
Variant type: single nucleotide variant.
Coding change: c.15353T>C on transcript NM_001374736.1 (MANE Select); coding-DNA position 15353, T replaced by C.
Protein change: p.Ile5118Thr; replaces isoleucine 5118 with threonine.
Molecular consequence: missense variant.
Genome position (GRCh38, 1-based): chr6:56,553,439, A>G on the plus strand (T>C on the coding strand, the complement: DST is on the minus strand). VCF-style: chr6-56553439-A-G. GRCh37 (hg19) VCF-style: chr6-56418237-A-G.
Other names: c.8996T>C, p.Ile2999Thr (NM_001144769.5); c.8582T>C, p.Ile2861Thr (NM_001144770.2); c.15353T>C, p.Ile5118Thr (NM_001374722.1); c.14720T>C, p.Ile4907Thr (NM_001374729.1); c.8462T>C, p.Ile2821Thr (NM_001374730.1, NM_001386100.1, NM_183380.4); c.15380T>C, p.Ile5127Thr (NM_001374734.1); c.7484T>C, p.Ile2495Thr (NM_015548.5); short protein forms I2495T, I2999T, I5127T, I5118T, I2821T, I2861T, I4907T.
Identifiers: ClinVar variation 1379029 (VCV001379029.6), dbSNP rs2152556210, ClinGen allele CA364517241.